The following is an entry in ClinVar:

NM_000393.5(COL5A2):c.2939A>G (p.Asp980Gly)

Gene: COL5A2 (collagen type V alpha 2 chain; minus strand). Cytogenetic location: 2q32.2.
Variant type: single nucleotide variant.
Coding change: c.2939A>G on transcript NM_000393.5 (MANE Select); coding-DNA position 2939, A replaced by G.
Protein change: p.Asp980Gly; replaces aspartic acid 980 with glycine.
Molecular consequence: missense variant.
Genome position (GRCh38, 1-based): chr2:189,050,669, T>C on the plus strand (A>G on the coding strand, the complement: COL5A2 is on the minus strand). VCF-style: chr2-189050669-T-C. GRCh37 (hg19) VCF-style: chr2-189915395-T-C.
Other names: short protein forms D980G.
Identifiers: ClinVar variation 3703286 (VCV003703286.2).
Genomic context (GRCh38, chr2:189,050,669, plus strand): 5'-TGCCCAGGCATGCCAACAATTCCTCTCTGCCCGGTCGTTCCAGCTGGACCAGGGGGGCCA[T>C]CTGGACCCTAATGTTGAGGACAAACTAAAATCAGAAACTATCCAGGGTAAAACTGTACCC-3'
Protein context (NP_000384.2, residues 970-990): DPGEDGQPGP[Asp980Gly]GPPGPAGTTG

ClinVar aggregate classification (germline): Uncertain significance (1 of 4 stars; one submission).

Conditions:
Ehlers-Danlos syndrome, classic type, 1 (EDSCL1). Also called: EHLERS-DANLOS SYNDROME, GRAVIS TYPE; EHLERS-DANLOS SYNDROME, SEVERE CLASSIC TYPE; Ehlers-Danlos syndrome, type 1; Ehlers-Danlos Syndrome, Classic Type, COL5A1-Related; EDS I. Identifiers: MedGen C0268335, MONDO:0019567, OMIM 130000.

gnomAD v4.1: 2 of 1,551,374 alleles (0.00013%); highest among the groups gnomAD compares: Non-Finnish European, 0.00017%; no homozygotes.

Submission:

Labcorp Genetics (formerly Invitae), Labcorp
Classification: Uncertain significance for Ehlers-Danlos syndrome, classic type, 1. Last evaluated: 2024-10-24. Review status: criteria provided, single submitter. Criteria: Invitae Variant Classification Sherloc (09022015). Collection method: clinical testing. Allele origin: germline.
Comment: This sequence change replaces aspartic acid, which is acidic and polar, with glycine, which is neutral and non-polar, at codon 980 of the COL5A2 protein (p.Asp980Gly). This variant is present in population databases (no rsID available, gnomAD 0.007%). This variant has not been reported in the literature in individuals affected with COL5A2-related conditions. Invitae Evidence Modeling of protein sequence and biophysical properties (such as structural, functional, and spatial information, amino acid conservation, physicochemical variation, residue mobility, and thermodynamic stability) indicates that this missense variant is not expected to disrupt COL5A2 protein function with a negative predictive value of 80%. In summary, the available evidence is currently insufficient to determine the role of this variant in disease. Therefore, it has been classified as a Variant of Uncertain Significance.